The following is an entry in ClinVar:

NM_005591.4(MRE11):c.367T>C (p.Phe123Leu)

Gene: MRE11 (MRE11 double strand break repair nuclease; minus strand). Cytogenetic location: 11q21.
Variant type: single nucleotide variant.
Coding change: c.367T>C on transcript NM_005591.4 (MANE Select); coding-DNA position 367, T replaced by C.
Protein change: p.Phe123Leu; replaces phenylalanine 123 with leucine.
Molecular consequence: missense variant.
Genome position (GRCh38, 1-based): chr11:94,479,709, A>G on the plus strand (T>C on the coding strand, the complement: MRE11 is on the minus strand). VCF-style: chr11-94479709-A-G. GRCh37 (hg19) VCF-style: chr11-94212875-A-G.
Other names: c.367T>C, p.Phe123Leu (NM_001330347.2, NM_005590.4); short protein forms F123L.
Identifiers: ClinVar variation 3912865 (VCV003912865.1).

ClinVar aggregate classification (germline): Uncertain significance (1 of 4 stars; one submission).

Conditions:
Hereditary cancer-predisposing syndrome. Also called: Hereditary Cancer Syndrome; Hereditary neoplastic syndrome; Neoplastic Syndromes, Hereditary; Tumor predisposition. Identifiers: Orphanet 140162, MedGen C0027672, MeSH D009386, MONDO:0015356.

Submission:

Ambry Genetics
Classification: Uncertain significance for Hereditary cancer-predisposing syndrome. Last evaluated: 2025-03-29. Review status: criteria provided, single submitter. Criteria: Ambry Variant Classification Scheme 2023. Collection method: clinical testing. Allele origin: germline.
Comment: The p.F123L variant (also known as c.367T>C), located in coding exon 4 of the MRE11A gene, results from a T to C substitution at nucleotide position 367. The phenylalanine at codon 123 is replaced by leucine, an amino acid with highly similar properties. This amino acid position is conserved. In addition, this alteration is predicted to be deleterious by in silico analysis. Based on the available evidence, the clinical significance of this variant remains unclear.